The following is an entry in ClinVar:

ClinVar aggregate classification (germline): Benign/Likely benign. Review status: criteria provided, multiple submitters, no conflicts (2 of 4 stars). 3 submissions from 3 submitters: Benign (1); Likely benign (2). Last evaluated 2025-12-01.

Allele frequency attached by ClinVar (database versions not stated): ExAC 0.00003; gnomAD 0.00005; TOPMed 0.00007; ESP Exome Variant Server 0.00009; gnomAD exomes 0.00009.
gnomAD v4.1: 181 of 1,210,024 alleles (0.015%); highest among the groups gnomAD compares: Non-Finnish European, 0.019%; no homozygotes.

Submissions (3):

CeGaT Center for Human Genetics Tuebingen
Classification: Likely benign. Last evaluated: 2025-12-01. Review status: criteria provided, single submitter. Criteria: CeGaT Center For Human Genetics Tuebingen Variant Classification Criteria Version 2. Collection method: clinical testing. Allele origin: germline. Affected: yes. Observed: 2 variant alleles.
Comment: NEXMIF: BP4, BS2

Labcorp Genetics (formerly Invitae), Labcorp
Classification: Benign. Last evaluated: 2025-11-21. Review status: criteria provided, single submitter. Criteria: Invitae Variant Classification Sherloc (09022015). Collection method: clinical testing. Allele origin: germline.

Genetic Services Laboratory, University of Chicago
Classification: Likely benign. Last evaluated: 2016-08-01. Review status: criteria provided, single submitter. Criteria: ACMG Guidelines, 2015. Collection method: clinical testing. Allele origin: germline. Affected: no.

NM_001008537.3(NEXMIF):c.2669C>T (p.Pro890Leu)

Gene: NEXMIF (neurite extension and migration factor; minus strand). Cytogenetic location: Xq13.3.
Variant type: single nucleotide variant.
Coding change: c.2669C>T on transcript NM_001008537.3 (MANE Select); coding-DNA position 2669, C replaced by T.
Protein change: p.Pro890Leu; replaces proline 890 with leucine.
Molecular consequence: missense variant.
Genome position (GRCh38, 1-based): chrX:74,741,888, G>A on the plus strand (C>T on the coding strand, the complement: NEXMIF is on the minus strand). VCF-style: chrX-74741888-G-A. GRCh37 (hg19) VCF-style: chrX-73961723-G-A.
Other names: short protein forms P890L.
Identifiers: ClinVar variation 435596 (VCV000435596.24), dbSNP rs377201508, ClinGen allele CA10455023.
Genomic context (GRCh38, chrX:74,741,888, plus strand): 5'-GGGGCTATCTCCCTTGAGACTTCAGCCATGAATTCCTGGGTGCCAGAAGTAGCCTTGTTG[G>A]GCCACACATTTCTATAGTTGCTTGATTCCATTTTGAAGTTATGAGATGACTGCTGCAGCT-3'
Protein context (NP_001008537.1, residues 880-900): MESSNYRNVW[Pro890Leu]NKATSGTQEF